The following is an entry in ClinVar:

NM_017534.6(MYH2):c.4153G>A (p.Ala1385Thr)

Genes: MYHAS (myosin heavy chain gene cluster antisense RNA; plus strand), MYH2 (myosin heavy chain 2; minus strand). Cytogenetic location: 17p13.1.
Variant type: single nucleotide variant.
Coding change: c.4153G>A on transcript NM_017534.6 (MANE Select); coding-DNA position 4153, G replaced by A.
Protein change: p.Ala1385Thr; replaces alanine 1385 with threonine.
Molecular consequence: missense variant.
Genome position (GRCh38, 1-based): chr17:10,526,633, C>T on the plus strand (G>A on the coding strand, the complement: MYH2 is on the minus strand). VCF-style: chr17-10526633-C-T. GRCh37 (hg19) VCF-style: chr17-10429950-C-T.
Other names: c.4153G>A, p.Ala1385Thr (NM_001100112.2); short protein forms A1385T.
Identifiers: ClinVar variation 2755183 (VCV002755183.3), dbSNP rs760241720, ClinGen allele CA8390718.

ClinVar aggregate classification (germline): Uncertain significance (1 of 4 stars; one submission).

Conditions:
Myopathy, proximal, and ophthalmoplegia (CMYO6). Also called: CONGENITAL MYOPATHY 6 WITH OPHTHALMOPLEGIA; INCLUSION BODY MYOPATHY 3, AUTOSOMAL DOMINANT; MYOPATHY WITH CONGENITAL JOINT CONTRACTURES, OPHTHALMOPLEGIA, AND RIMMED VACUOLES. Identifiers: Orphanet 363677, Orphanet 79091, MedGen C1854106, MONDO:0011577, OMIM 605637.

Allele frequency attached by ClinVar (database versions not stated): gnomAD exomes below 0.00001; gnomAD 0.00001; TOPMed 0.00001; ExAC 0.00003.
gnomAD v4.1: 6 of 1,613,880 alleles (0.00037%); highest among the groups gnomAD compares: Admixed American, 0.0067%; no homozygotes.

Submission:

Labcorp Genetics (formerly Invitae), Labcorp
Classification: Uncertain significance for Myopathy, proximal, and ophthalmoplegia. Last evaluated: 2024-10-28. Review status: criteria provided, single submitter. Criteria: Invitae Variant Classification Sherloc (09022015). Collection method: clinical testing. Allele origin: germline.
Comment: This sequence change replaces alanine, which is neutral and non-polar, with threonine, which is neutral and polar, at codon 1385 of the MYH2 protein (p.Ala1385Thr). This variant is present in population databases (rs760241720, gnomAD 0.009%). This variant has not been reported in the literature in individuals affected with MYH2-related conditions. Invitae Evidence Modeling of protein sequence and biophysical properties (such as structural, functional, and spatial information, amino acid conservation, physicochemical variation, residue mobility, and thermodynamic stability) indicates that this missense variant is expected to disrupt MYH2 protein function with a positive predictive value of 80%. In summary, the available evidence is currently insufficient to determine the role of this variant in disease. Therefore, it has been classified as a Variant of Uncertain Significance.